The following is an entry in ClinVar:

ClinVar aggregate classification (germline): Uncertain significance (1 of 4 stars; one submission).

Conditions:
Progressive myoclonic epilepsy. Also called: Myoclonic Epilepsies, Progressive; Familial progressive myoclonic epilepsy; Progressive myoclonus epilepsy; Myoclonus epilepsy. Identifiers: Orphanet 308, Orphanet 98261, MedGen C0751778, MONDO:0020074.

Submission:

Labcorp Genetics (formerly Invitae), Labcorp
Classification: Uncertain significance for Progressive myoclonic epilepsy. Last evaluated: 2022-02-11. Review status: criteria provided, single submitter. Criteria: Invitae Variant Classification Sherloc (09022015). Collection method: clinical testing. Allele origin: germline.
Comment: Algorithms developed to predict the effect of missense changes on protein structure and function are either unavailable or do not agree on the potential impact of this missense change (SIFT: "Not Available"; PolyPhen-2: "Benign"; Align-GVGD: "Not Available"). In summary, the available evidence is currently insufficient to determine the role of this variant in disease. Therefore, it has been classified as a Variant of Uncertain Significance. This variant has not been reported in the literature in individuals affected with EPM2A-related conditions. Information on the frequency of this variant in the gnomAD database is not available, as this variant may be reported differently in the database. This sequence change replaces alanine, which is neutral and non-polar, with glycine, which is neutral and non-polar, at codon 53 of the EPM2A protein (p.Ala53Gly).

NM_005670.4(EPM2A):c.158_159inv (p.Ala53Gly)

Genes: EPM2A (EPM2A glucan phosphatase, laforin; minus strand), EPM2A-DT (EPM2A divergent transcript; plus strand), LOC129997381 (ATAC-STARR-seq lymphoblastoid silent region 17642; plus strand). Cytogenetic location: 6q24.3.
Variant type: Inversion.
Coding change: c.158_159inv on transcript NM_005670.4 (MANE Select).
Protein change: p.Ala53Gly; replaces alanine 53 with glycine.
Molecular consequence: missense variant. On other transcripts: 5 prime UTR variant (3), intron variant (1).
Genome position: GRCh38 VCF-style: chr6-145735340-GG-CC. GRCh37 (hg19) VCF-style: chr6-146056476-GG-CC.
Other names: c.158_159inv, p.Ala53Gly (NM_001018041.2, NM_001360057.2, NM_001368130.1); c.-512_-511inv (NM_001360071.2); c.-466_-465inv (NM_001368129.2); c.-210_-209inv (NM_001368131.1); c.-114+567_-114+568inv (NM_001360064.2); short protein forms A53G.
Identifiers: ClinVar variation 2096794 (VCV002096794.4), ClinGen allele CA2580075178.